The following is an entry in ClinVar:

ClinVar aggregate classification (germline): Uncertain significance (1 of 4 stars; one submission).

Conditions:
Fanconi anemia (FA). Also called: Fanconi's anemia. Identifiers: Orphanet 84, MedGen C0015625, MeSH D005199, MONDO:0019391.

Submission:

Labcorp Genetics (formerly Invitae), Labcorp
Classification: Uncertain significance for Fanconi anemia. Last evaluated: 2022-02-10. Review status: criteria provided, single submitter. Criteria: Invitae Variant Classification Sherloc (09022015). Collection method: clinical testing. Allele origin: germline.
Comment: This variant has not been reported in the literature in individuals affected with FANCM-related conditions. This variant is not present in population databases (gnomAD no frequency). This sequence change replaces leucine, which is neutral and non-polar, with valine, which is neutral and non-polar, at codon 1080 of the FANCM protein (p.Leu1080Val). In summary, the available evidence is currently insufficient to determine the role of this variant in disease. Therefore, it has been classified as a Variant of Uncertain Significance. Algorithms developed to predict the effect of missense changes on protein structure and function (SIFT, PolyPhen-2, Align-GVGD) all suggest that this variant is likely to be tolerated. ClinVar contains an entry for this variant (Variation ID: 965709).

NM_020937.4(FANCM):c.3238C>G (p.Leu1080Val)

Gene: FANCM (FA complementation group M; plus strand). Cytogenetic location: 14q21.2.
Variant type: single nucleotide variant.
Coding change: c.3238C>G on transcript NM_020937.4 (MANE Select); coding-DNA position 3238, C replaced by G.
Protein change: p.Leu1080Val; replaces leucine 1080 with valine.
Molecular consequence: missense variant.
Genome position (GRCh38, 1-based): chr14:45,175,992, C>G. VCF-style: chr14-45175992-C-G. GRCh37 (hg19) VCF-style: chr14-45645195-C-G.
Other names: c.3160C>G, p.Leu1054Val (NM_001308133.2); short protein forms L1054V, L1080V.
Identifiers: ClinVar variation 965709 (VCV000965709.8), dbSNP rs1888662319, ClinGen allele CA389600511.
Genomic context (GRCh38, chr14:45,175,992, plus strand): 5'-CCATCTGAAAAAAGTTGCCTTTATGATATACCTAATGATAATATTTCTGATGAGCCAAGT[C>G]TCTGTGACTGTGATGTACATAAACATAATCAAAATGAAAATTTAGTACCTAACAATCGTG-3'
Protein context (NP_065988.1, residues 1070-1090): PNDNISDEPS[Leu1080Val]CDCDVHKHNQ